The following is an entry in ClinVar:

NM_001171.6(ABCC6):c.1088A>C (p.Gln363Pro)

Gene: ABCC6 (ATP binding cassette subfamily C member 6; minus strand). Cytogenetic location: 16p13.11.
Variant type: single nucleotide variant.
Coding change: c.1088A>C on transcript NM_001171.6 (MANE Select); coding-DNA position 1088, A replaced by C.
Protein change: p.Gln363Pro; replaces glutamine 363 with proline.
Molecular consequence: missense variant. On other transcripts: non-coding transcript variant (1).
Genome position (GRCh38, 1-based): chr16:16,202,089, T>G on the plus strand (A>C on the coding strand, the complement: ABCC6 is on the minus strand). VCF-style: chr16-16202089-T-G. GRCh37 (hg19) VCF-style: chr16-16295946-T-G.
Other names: c.746A>C, p.Gln249Pro (NM_001351800.1); short protein forms Q249P, Q363P.
Identifiers: ClinVar variation 1200478 (VCV001200478.6), dbSNP rs944015667, ClinGen allele CA278666407.

ClinVar aggregate classification (germline): Uncertain significance. Review status: criteria provided, multiple submitters, no conflicts (2 of 4 stars). 3 submissions from 3 submitters: Uncertain significance (3). Last evaluated 2024-12-23.

Conditions:
Autosomal recessive inherited pseudoxanthoma elasticum (PXE). Identifiers: Orphanet 758, MedGen CN032334, MONDO:0009925, OMIM 264800.
Pseudoxanthoma elasticum, forme fruste. Also called: Pseudoxanthoma Elasticum, Incomplete; PSEUDOXANTHOMA ELASTICUM, HETEROZYGOUS. Identifiers: Orphanet 758, MedGen C1867450, MONDO:0008333, OMIM 177850.
Arterial calcification, generalized, of infancy, 2. Identifiers: Orphanet 51608, MedGen C3276161, MONDO:0013768, OMIM 614473.

Allele frequency attached by ClinVar (database versions not stated): gnomAD 0.00002; TOPMed 0.00005.
gnomAD v4.1: 7 of 1,613,890 alleles (0.00043%); highest among the groups gnomAD compares: Admixed American, 0.0033%; no homozygotes.

Submissions (3):

GeneDx
Classification: Uncertain significance. Last evaluated: 2024-12-23. Review status: criteria provided, single submitter. Criteria: GeneDx Variant Classification Process June 2021. Collection method: clinical testing. Allele origin: germline. Affected: yes.
Comment: Not observed at significant frequency in large population cohorts (gnomAD); In silico analysis supports that this missense variant has a deleterious effect on protein structure/function; This variant is associated with the following publications: (PMID: 34906475)

Blueprint Genetics
Classification: Uncertain significance. Last evaluated: 2024-10-03. Review status: criteria provided, single submitter. Criteria: ACMG Guidelines, 2015. Collection method: clinical testing. Allele origin: germline.

Fulgent Genetics
Classification: Uncertain significance for Pseudoxanthoma elasticum, forme fruste; Autosomal recessive inherited pseudoxanthoma elasticum; Arterial calcification, generalized, of infancy, 2. Last evaluated: 2022-02-16. Review status: criteria provided, single submitter. Criteria: ACMG Guidelines, 2015. Collection method: clinical testing. Allele origin: unknown.